The following is an entry in ClinVar:

NM_030962.4(SBF2):c.1424A>G (p.Gln475Arg)

Gene: SBF2 (SET binding factor 2; minus strand). Cytogenetic location: 11p15.4.
Variant type: single nucleotide variant.
Coding change: c.1424A>G on transcript NM_030962.4 (MANE Select); coding-DNA position 1424, A replaced by G.
Protein change: p.Gln475Arg; replaces glutamine 475 with arginine.
Molecular consequence: missense variant.
Genome position (GRCh38, 1-based): chr11:9,968,517, T>C on the plus strand (A>G on the coding strand, the complement: SBF2 is on the minus strand). VCF-style: chr11-9968517-T-C. GRCh37 (hg19) VCF-style: chr11-9990064-T-C.
Other names: c.1424A>G, p.Gln475Arg (NM_001386339.1); c.1295A>G, p.Gln432Arg (NM_001386342.1); short protein forms Q475R, Q432R.
Identifiers: ClinVar variation 220352 (VCV000220352.20), dbSNP rs199894823, ClinGen allele CA350504.

ClinVar aggregate classification (germline): Conflicting classifications of pathogenicity. Review status: criteria provided, conflicting classifications (1 of 4 stars). 9 submissions from 9 submitters: Uncertain significance (8); Likely benign (1). Last evaluated 2026-08-24.

Conditions:
SBF2-related disorder. Also called: SBF2-related condition.
Inborn genetic diseases. Identifiers: MedGen C0950123, MeSH D030342.
Charcot-Marie-Tooth disease. Also called: Charcot-Marie-Tooth Hereditary Neuropathy; Charcot-Marie-Tooth Neuropathy. Identifiers: Orphanet 166, MedGen C0007959, MONDO:0015626.
Charcot-Marie-Tooth disease type 4. Also called: Charcot-Marie-Tooth disease, type IV; Charcot-Marie-Tooth, Type 4. Identifiers: Orphanet 64749, MedGen C4082197, MONDO:0018995.
Charcot-Marie-Tooth disease type 4B2. Also called: Charcot-Marie-Tooth Neuropathy Type 4B2; CHARCOT-MARIE-TOOTH DISEASE, WITH FOCALLY FOLDED MYELIN SHEATHS, AUTOSOMAL RECESSIVE, TYPE 4B2; CHARCOT-MARIE-TOOTH DISEASE, DEMYELINATING, TYPE 4B2; CMT 4B2. Identifiers: Orphanet 99956, MedGen C1858278, MONDO:0011475, OMIM 604563.

Allele frequency attached by ClinVar (database versions not stated): ExAC 0.00021; gnomAD exomes 0.00027 and 0.00035; ESP Exome Variant Server 0.00031; TOPMed 0.00052; gnomAD 0.00056 and 0.00059.
gnomAD v4.1: 479 of 1,614,010 alleles (0.03%); highest among the groups gnomAD compares: Admixed American, 0.12%; 1 homozygote.

Submissions (9):

PreventionGenetics, part of Exact Sciences
Classification: Uncertain significance for SBF2-related condition. Last evaluated: 2026-08-24. Review status: criteria provided, single submitter. Criteria: ACMG Guidelines, 2015. Collection method: clinical testing. Allele origin: germline.
Comment: The SBF2 c.1424A>G variant is predicted to result in the amino acid substitution p.Gln475Arg. This variant has been reported as a variant of uncertain significance in individuals from large cohort studies of Charcot-Marie-Tooth disease; however, additional evidence was not provided (Supp. Table 2, Volodarsky et al. 2021. PubMed ID: 32376792; Yalcintepe et al. 2021. PubMed ID: 34169998). This variant is reported in 0.068% of alleles in individuals of Latino descent in gnomAD. Although we suspect that this variant may be benign, at this time, the clinical significance of this variant is uncertain due to the absence of conclusive functional and genetic evidence.

Athena Diagnostics
Classification: Likely benign. Last evaluated: 2025-08-29. Review status: criteria provided, single submitter. Criteria: Athena Diagnostics Criteria. Collection method: clinical testing. Allele origin: unknown.
Comment: The frequency of this variant in the general population is higher than would generally be expected for pathogenic variants in this gene.

Blueprint Genetics
Classification: Uncertain significance. Last evaluated: 2024-11-15. Review status: criteria provided, single submitter. Criteria: ACMG Guidelines, 2015. Collection method: clinical testing. Allele origin: germline.

ARUP Laboratories, Molecular Genetics and Genomics, ARUP Laboratories
Classification: Uncertain significance for Charcot-Marie-Tooth disease type 4B2. Last evaluated: 2024-09-13. Review status: criteria provided, single submitter. Criteria: ARUP Molecular Germline Variant Investigation Process 2024. Collection method: clinical testing. Allele origin: germline.
Comment: The SBF2 c.1424A>G; p.Gln475Arg variant (rs199894823, ClinVar Variation ID: 220352) is reported rarely in individuals with Charcot-Marie-Tooth disease (Volodarsky 2021, Yalcintepe 2021). This variant is found in the general population with an overall allele frequency of 0.03% (90/282862 alleles) in the Genome Aggregation Database (v2.1.1). Computational analyses predict that this variant is deleterious (REVEL: 0.705). Due to limited information, the clinical significance of this variant is uncertain at this time. References: Volodarsky M et al. Comprehensive genetic sequence and copy number analysis for Charcot-Marie-Tooth disease in a Canadian cohort of 2517 patients. J Med Genet. 2021 Apr. PMID: 32376792. Yalcintepe S et al. The Importance of Multiple Gene Analysis for Diagnosis and Differential Diagnosis in Charcot Marie Tooth Disease. Turk Neurosurg. 2021 PMID: 34169998.

Ambry Genetics
Classification: Uncertain significance for Inborn genetic diseases. Last evaluated: 2023-12-21. Review status: criteria provided, single submitter. Criteria: Ambry Variant Classification Scheme 2023. Collection method: clinical testing. Allele origin: germline.

Labcorp Genetics (formerly Invitae), Labcorp
Classification: Uncertain significance for Charcot-Marie-Tooth disease type 4. Last evaluated: 2023-12-05. Review status: criteria provided, single submitter. Criteria: Invitae Variant Classification Sherloc (09022015). Collection method: clinical testing. Allele origin: germline.
Comment: This sequence change replaces glutamine, which is neutral and polar, with arginine, which is basic and polar, at codon 475 of the SBF2 protein (p.Gln475Arg). This variant is present in population databases (rs199894823, gnomAD 0.07%). This missense change has been observed in individual(s) with clinical features of Charcot-Marie-Tooth disease (PMID: 32376792, 34169998). ClinVar contains an entry for this variant (Variation ID: 220352). Advanced modeling of protein sequence and biophysical properties (such as structural, functional, and spatial information, amino acid conservation, physicochemical variation, residue mobility, and thermodynamic stability) performed at Invitae indicates that this missense variant is not expected to disrupt SBF2 protein function with a negative predictive value of 80%. In summary, the available evidence is currently insufficient to determine the role of this variant in disease. Therefore, it has been classified as a Variant of Uncertain Significance.

Illumina Laboratory Services, Illumina
Classification: Uncertain significance for Charcot-Marie-Tooth disease type 4B2. Last evaluated: 2018-01-13. Review status: criteria provided, single submitter. Criteria: ICSL Variant Classification Criteria 13 December 2019. Collection method: clinical testing. Allele origin: germline.

GeneDx
Classification: Uncertain significance. Last evaluated: 2016-11-30. Review status: criteria provided, single submitter. Criteria: GeneDx Variant Classification (06012015). Collection method: clinical testing. Allele origin: germline. Affected: yes.
Comment: A variant of uncertain significance has been identified in the SBF2 gene. The Q475R variant has not been published as a pathogenic variant, nor has it been reported as a benign variant to our knowledge. It was not observed with any significant frequency in approximately 6,500 individuals of European and African American ancestry in the NHLBI Exome Sequencing Project. The Q475R variant is a semi-conservative amino acid substitution, which may impact secondary protein structure as these residues differ in some properties. This substitution occurs at a position that is conserved across species. However, in silico analysis is inconsistent in its predictions as to whether or not the variant is damaging to the protein structure/function. Therefore, based on the currently available information, it is unclear whether this variant is a pathogenic variant or a rare benign variant.

Molecular Genetics Laboratory, London Health Sciences Centre
Classification: Uncertain significance for Charcot-Marie-Tooth disease. Review status: criteria provided, single submitter. Criteria: ACMG Guidelines, 2015. Collection method: clinical testing. Allele origin: germline. Affected: yes.

Literature cited by the submitters: PubMed 32376792 (cited by Athena Diagnostics and Labcorp Genetics (formerly Invitae), Labcorp); PubMed 34169998 (cited by Athena Diagnostics and Labcorp Genetics (formerly Invitae), Labcorp); PubMed 33652732 (cited by Athena Diagnostics).